The following is an entry in ClinVar:

NM_000548.5(TSC2):c.444C>T (p.Asp148=)

Gene: TSC2 (TSC complex subunit 2; plus strand). Cytogenetic location: 16p13.3.
Variant type: single nucleotide variant.
Coding change: c.444C>T on transcript NM_000548.5 (MANE Select); coding-DNA position 444, C replaced by T.
Protein change: p.Asp148=; no amino-acid change (aspartic acid 148 retained).
Molecular consequence: synonymous variant. On other transcripts: intron variant (1).
Genome position (GRCh38, 1-based): chr16:2,054,403, C>T. VCF-style: chr16-2054403-C-T. GRCh37 (hg19) VCF-style: chr16-2104404-C-T.
Other names: c.444C>T, p.Asp148= (NM_001077183.3, NM_001114382.3, NM_001363528.2 and 3 more transcripts); c.333C>T, p.Asp111= (NM_001318827.2); c.297C>T, p.Asp99= (NM_001318829.2); c.477C>T, p.Asp159= (NM_001318832.2); c.-1-1793C>T (NM_001318831.2).
Identifiers: ClinVar variation 824900 (VCV000824900.18), dbSNP rs767968378, ClinGen allele CA051190.

ClinVar aggregate classification (germline): Benign/Likely benign. Review status: criteria provided, multiple submitters, no conflicts (2 of 4 stars). 6 submissions from 6 submitters: Benign (2); Likely benign (4). Last evaluated 2025-07-02.

Conditions:
Isolated focal cortical dysplasia type II (FCORD2). Also called: CORTICAL DYSPLASIA OF TAYLOR; Focal cortical dysplasia type II. Identifiers: Orphanet 268994, MedGen C1846385, MONDO:0011818, OMIM 607341, HP:0032051.
Lymphangiomyomatosis (LAM). Also called: Lymphangioleiomyomatosis; Lymphangioleiomyomatosis, somatic. Identifiers: Orphanet 538, MedGen C0751674, MONDO:0011705, OMIM 606690.
Tuberous sclerosis 2 (TSC2). Identifiers: Orphanet 805, MedGen C1860707, MONDO:0013199, OMIM 613254.
Hereditary cancer-predisposing syndrome. Also called: Neoplastic Syndromes, Hereditary; Tumor predisposition; Hereditary Cancer Syndrome; Hereditary neoplastic syndrome. Identifiers: Orphanet 140162, MedGen C0027672, MeSH D009386, MONDO:0015356.

Allele frequency attached by ClinVar (database versions not stated): gnomAD below 0.00001 and 0.00003; gnomAD exomes 0.00003 and 0.00005; ExAC 0.00005.
gnomAD v4.1: 49 of 1,614,110 alleles (0.003%); highest among the groups gnomAD compares: South Asian, 0.048%; no homozygotes.

Submissions (6):

Labcorp Genetics (formerly Invitae), Labcorp
Classification: Likely benign for Tuberous sclerosis 2. Last evaluated: 2025-07-02. Review status: criteria provided, single submitter. Criteria: Invitae Variant Classification Sherloc (09022015). Collection method: clinical testing. Allele origin: germline.

Myriad Genetics, Inc.
Classification: Benign for Tuberous sclerosis 2. Last evaluated: 2025-05-05. Review status: criteria provided, single submitter. Criteria: Myriad Autosomal Dominant, Autosomal Recessive and X-Linked Classification Criteria (2023). Collection method: clinical testing. Allele origin: unknown.
Comment: This variant is considered benign. This variant is a silent/synonymous amino acid change and it is not expected to impact splicing.

Fulgent Genetics
Classification: Likely benign for Lymphangiomyomatosis; Isolated focal cortical dysplasia type II; Tuberous sclerosis 2. Last evaluated: 2021-12-15. Review status: criteria provided, single submitter. Criteria: ACMG Guidelines, 2015. Collection method: clinical testing. Allele origin: unknown.

Genome-Nilou Lab
Classification: Benign for Tuberous sclerosis 2. Last evaluated: 2021-11-07. Review status: criteria provided, single submitter. Criteria: ACMG Guidelines, 2015. Collection method: clinical testing. Allele origin: germline. Affected: no.

Blueprint Genetics
Classification: Likely benign. Last evaluated: 2021-07-31. Review status: criteria provided, single submitter. Criteria: ACMG Guidelines, 2015. Collection method: clinical testing. Allele origin: germline.

Ambry Genetics
Classification: Likely benign for Hereditary cancer-predisposing syndrome. Last evaluated: 2018-05-02. Review status: criteria provided, single submitter. Criteria: Ambry Variant Classification Scheme 2023. Collection method: clinical testing. Allele origin: germline.